The following is an entry in ClinVar:

NM_001848.3(COL6A1):c.1681G>A (p.Asp561Asn)

Gene: COL6A1 (collagen type VI alpha 1 chain; plus strand). Cytogenetic location: 21q22.3.
Variant type: single nucleotide variant.
Coding change: c.1681G>A on transcript NM_001848.3 (MANE Select); coding-DNA position 1681, G replaced by A.
Protein change: p.Asp561Asn; replaces aspartic acid 561 with asparagine.
Molecular consequence: missense variant.
Genome position (GRCh38, 1-based): chr21:45,999,159, G>A. VCF-style: chr21-45999159-G-A. GRCh37 (hg19) VCF-style: chr21-47419073-G-A.
Other names: short protein forms D561N.
Identifiers: ClinVar variation 542984 (VCV000542984.14), dbSNP rs140517685, ClinGen allele CA10070492.

ClinVar aggregate classification (germline): Conflicting classifications of pathogenicity. Review status: criteria provided, conflicting classifications (1 of 4 stars). 3 submissions from 3 submitters: Uncertain significance (1); Benign (1). 1 of the submissions does not count toward it. Last evaluated 2025-08-11.

Conditions:
Bethlem myopathy 1A. Also called: MYOPATHY, BENIGN CONGENITAL, WITH CONTRACTURES; Bethlem Muscular Dystrophy; Bethlem myopathy 1. Identifiers: Orphanet 610, MedGen CN029274, MONDO:0024530, OMIM 158810.
COL6A1-related disorder. Also called: COL6A1-related condition.

Allele frequency attached by ClinVar (database versions not stated): 1000 Genomes Project 30x 0.00016; ExAC 0.00017; 1000 Genomes Project 0.00020; gnomAD 0.00001 and 0.00003; TOPMed 0.00005; gnomAD exomes 0.00007; ESP Exome Variant Server 0.00008.
gnomAD v4.1: 106 of 1,600,250 alleles (0.0066%); highest among the groups gnomAD compares: South Asian, 0.03%; no homozygotes.

Submissions (3):

Labcorp Genetics (formerly Invitae), Labcorp
Classification: Benign for Bethlem myopathy 1A. Last evaluated: 2025-08-11. Review status: criteria provided, single submitter. Criteria: Invitae Variant Classification Sherloc (09022015). Collection method: clinical testing. Allele origin: germline.

Revvity Omics, Revvity
Classification: Uncertain significance. Last evaluated: 2019-04-01. Review status: criteria provided, single submitter. Criteria: ACMG Guidelines, 2015. Collection method: clinical testing. Allele origin: germline.

PreventionGenetics, part of Exact Sciences
Classification: Uncertain significance for COL6A1-related condition. Last evaluated: 2024-08-12. Review status: no assertion criteria provided. Collection method: clinical testing. Allele origin: germline. Not counted in ClinVar's aggregate classification.
Comment: The COL6A1 c.1681G>A variant is predicted to result in the amino acid substitution p.Asp561Asn. To our knowledge, this variant has not been reported in the literature. This variant is reported in 0.032% of alleles in individuals of South Asian descent in gnomAD, which is likely too common for an autosomal dominant variant. At this time, the clinical significance of this variant is uncertain due to the absence of conclusive functional and genetic evidence.